The following is an entry in ClinVar:

ClinVar aggregate classification (germline): Pathogenic. Review status: criteria provided, multiple submitters, no conflicts (2 of 4 stars). 3 submissions from 3 submitters: Pathogenic (3). Last evaluated 2024-08-26.

Conditions:
Hereditary cancer-predisposing syndrome. Also called: Neoplastic Syndromes, Hereditary; Hereditary Cancer Syndrome; Tumor predisposition; Hereditary neoplastic syndrome. Identifiers: Orphanet 140162, MedGen C0027672, MeSH D009386, MONDO:0015356.
Hereditary breast ovarian cancer syndrome. Also called: BRCA1- and BRCA2-Associated Hereditary Breast and Ovarian Cancer; Hereditary breast and ovarian cancer; Hereditary breast and/or ovarian cancer syndrome; Hereditary breast and ovarian cancer syndrome; Hereditary breast and ovarian cancer syndrome (HBOC); Breast and ovarian cancer. Identifiers: Orphanet 145, MedGen C0677776, MeSH D061325, MONDO:0003582. Disease mechanism: loss of function.

Submissions (3):

Ambry Genetics
Classification: Pathogenic for Hereditary cancer-predisposing syndrome. Last evaluated: 2024-08-26. Review status: criteria provided, single submitter. Criteria: Ambry Variant Classification Scheme 2023. Collection method: clinical testing. Allele origin: germline.
Comment: The c.283_286delCTTG pathogenic mutation, located in coding exon 4 of the BRCA1 gene, results from a deletion of 4 nucleotides at nucleotide positions 283 to 286, causing a translational frameshift with a predicted alternate stop codon (p.L95Tfs*23). This alteration has been reported in multiple Chinese individuals who underwent either BRCA1/2 gene testing or multi-gene panel testing (Sun J et al. Clin Cancer Res. 2017 Oct;23:6113-6119; Shi T et al. Int J Cancer. 2017 05;140:2051-2059; Bu H et al. J Obstet Gynaecol Res. 2019 Nov;45:2267-2274; Shao D et al. Cancer Sci. 2020 Feb;111:647-657). This variant is considered to be rare based on population cohorts in the Genome Aggregation Database (gnomAD). In addition to the clinical data presented in the literature, this alteration is expected to result in loss of function by premature protein truncation or nonsense-mediated mRNA decay. As such, this alteration is interpreted as a disease-causing mutation.

Women's Health and Genetics/Laboratory Corporation of America, LabCorp
Classification: Pathogenic for Hereditary breast ovarian cancer syndrome. Last evaluated: 2024-06-10. Review status: criteria provided, single submitter. Criteria: LabCorp Variant Classification Summary - May 2015. Collection method: clinical testing. Allele origin: germline.
Comment: Variant summary: BRCA1 c.283_286delCTTG (p.Leu95ThrfsX23) results in a premature termination codon, predicted to cause absence of the protein due to nonsense mediated decay, which is a commonly known mechanism for disease. The variant was absent in 251214 control chromosomes. c.283_286delCTTG has been reported in the literature in at-least one individual affected with Breast Syndrome (example, Sun_2017 ). These data do not allow any conclusion about variant significance. To our knowledge, no experimental evidence demonstrating an impact on protein function has been reported. The following publication has been ascertained in the context of this evaluation (PMID: 28724667). ClinVar contains an entry for this variant (Variation ID: 573376). Based on the evidence outlined above, the variant was classified as pathogenic.

Labcorp Genetics (formerly Invitae), Labcorp
Classification: Pathogenic for Hereditary breast ovarian cancer syndrome. Last evaluated: 2018-01-24. Review status: criteria provided, single submitter. Criteria: Invitae Variant Classification Sherloc (09022015). Collection method: clinical testing. Allele origin: germline.
Comment: For these reasons, this variant has been classified as Pathogenic. Loss-of-function variants in BRCA1 are known to be pathogenic (PMID: 20104584). This variant has been reported in individuals affected with breast cancer (PMID: 28724667). This variant is not present in population databases (ExAC no frequency). This sequence change creates a premature translational stop signal (p.Leu95Thrfs*23) in the BRCA1 gene. It is expected to result in an absent or disrupted protein product.

Literature cited by the submitters: PubMed 28176296 (cited by Ambry Genetics); PubMed 28724667 (cited by 3 submitters); PubMed 31411802 (cited by Ambry Genetics); PubMed 31742824 (cited by Ambry Genetics); PubMed 20104584 (cited by Labcorp Genetics (formerly Invitae), Labcorp).

NM_007294.4(BRCA1):c.283_286del (p.Leu95fs)

Gene: BRCA1 (BRCA1 DNA repair associated; minus strand). Cytogenetic location: 17q21.31.
Variant type: Deletion.
Coding change: c.283_286del on transcript NM_007294.4 (MANE Select); coding-DNA positions 283 to 286, 4 bases deleted (CTTG; older notation c.283_286delCTTG).
Protein change: p.Leu95fs; shifts the reading frame from leucine 95.
Molecular consequence: frameshift variant. On other transcripts: non-coding transcript variant (1).
Genome position (GRCh38, 1-based): chr17:43,104,883-43,104,886, CAAG deleted on the plus strand (CTTG on the coding strand, the reverse complement: BRCA1 is on the minus strand); deleting any 4 consecutive bases within chr17:43,104,883-43,104,887 gives the same sequence; the c. name uses the placement nearest the transcript's 3' end. VCF-style (leftmost placement, unchanged base first): chr17-43104882-TCAAG-T. GRCh37 (hg19) VCF-style: chr17-41256899-TCAAG-T.
Other names: c.283_286delCTTG (NM_007294.3); c.141_144delGCTT, p.Leu48Thrfs (NM_001407729.1, NM_001407730.1, NM_001407731.1 and 98 more transcripts); c.72_75delGCTT, p.Leu25Thrfs (NM_001407853.1, NM_001407879.1, NM_001407881.1 and 58 more transcripts); c.282_285delGCTT, p.Leu95Thrfs (NM_001407854.1, NM_001407858.1, NM_001407859.1 and 166 more transcripts); c.204_207delGCTT, p.Leu69Thrfs (NM_001407862.1, NM_001407874.1, NM_001407875.1 and 21 more transcripts); c.-100_-97delGCTT (NM_001407959.1, NM_001407960.1, NM_001407962.1 and 4 more transcripts); c.150_153delGCTT, p.Leu51Thrfs (NM_001408451.1); c.142_145del, p.Leu48fs (NM_007297.4); and 1 more; short protein forms L48fs, L95fs.
Identifiers: ClinVar variation 573376 (VCV000573376.15), dbSNP rs1567811070, ClinGen allele CA891844216.